The following is an entry in ClinVar:

ClinVar aggregate classification (germline): Pathogenic (1 of 4 stars; one submission).

Submission:

Labcorp Genetics (formerly Invitae), Labcorp
Classification: Pathogenic. Last evaluated: 2023-04-07. Review status: criteria provided, single submitter. Criteria: Invitae Variant Classification Sherloc (09022015). Collection method: clinical testing. Allele origin: germline.
Comment: For these reasons, this variant has been classified as Pathogenic. This variant has not been reported in the literature in individuals affected with COL2A1-related conditions. This variant is not present in population databases (gnomAD no frequency). This sequence change creates a premature translational stop signal (p.Lys299Argfs*9) in the COL2A1 gene. It is expected to result in an absent or disrupted protein product. Loss-of-function variants in COL2A1 are known to be pathogenic (PMID: 20179744).

Literature cited by the submitters: PubMed 20179744.

NM_001844.5(COL2A1):c.894del (p.Lys299fs)

Gene: COL2A1 (collagen type II alpha 1 chain; minus strand). Cytogenetic location: 12q13.11.
Variant type: Deletion.
Coding change: c.894del on transcript NM_001844.5 (MANE Select); coding-DNA position 894, one base deleted (T; older notation c.894delT).
Protein change: p.Lys299fs; shifts the reading frame from lysine 299.
Molecular consequence: frameshift variant.
Genome position (GRCh38, 1-based): chr12:47,993,839, A deleted on the plus strand (T on the coding strand, the reverse complement: COL2A1 is on the minus strand). VCF-style (leftmost placement, unchanged base first): chr12-47993838-TA-T. GRCh37 (hg19) VCF-style: chr12-48387621-TA-T.
Other names: c.687del, p.Lys230fs (NM_033150.3); short protein forms K299fs, K230fs.
Identifiers: ClinVar variation 2853059 (VCV002853059.3), dbSNP rs2540168512, ClinGen allele CA2739271951.
Genomic context (GRCh38, chr12:47,993,838, plus strand): 5'-CCCCATCCCATTGTACTTTCTGGCCTCTCACCTTCACACCAGGAGCACCCGCCTCTCCCT[TA>T]GCACCGTCCAGGCCTGGATAACCCTAGGGAACAAGAGAAAATGTTCAATCAGACTTCTGG-3'